The following is an entry in ClinVar:

ClinVar aggregate classification (germline): Conflicting classifications of pathogenicity. Review status: criteria provided, conflicting classifications (1 of 4 stars). 2 submissions from 2 submitters: Uncertain significance (1); Likely benign (1). Last evaluated 2023-10-26.

Conditions:
Hereditary cancer-predisposing syndrome. Also called: Tumor predisposition; Hereditary Cancer Syndrome; Hereditary neoplastic syndrome; Neoplastic Syndromes, Hereditary. Identifiers: Orphanet 140162, MedGen C0027672, MeSH D009386, MONDO:0015356.
BAP1-related tumor predisposition syndrome (TPDS1). Also called: Tumor susceptibility linked to germline BAP1 mutations; BAP1 tumor predisposition syndrome; COMMON Syndrome; TUMOR PREDISPOSITION SYNDROME 1. Identifiers: Orphanet 289539, MedGen C3280492, MONDO:0013692, OMIM 614327.

Submissions (2):

Ambry Genetics
Classification: Uncertain significance for Hereditary cancer-predisposing syndrome. Last evaluated: 2023-10-26. Review status: criteria provided, single submitter. Criteria: Ambry Variant Classification Scheme 2023. Collection method: clinical testing. Allele origin: germline.
Comment: The c.581-5A>G intronic variant results from an A to G substitution 5 nucleotides upstream from coding exon 8 in the BAP1 gene. This nucleotide position is poorly conserved in available vertebrate species. In silico splice site analysis predicts that this alteration will not have any significant effect on splicing. Since supporting evidence is limited at this time, the clinical significance of this alteration remains unclear.

Labcorp Genetics (formerly Invitae), Labcorp
Classification: Likely benign for BAP1-related tumor predisposition syndrome. Last evaluated: 2022-02-02. Review status: criteria provided, single submitter. Criteria: Invitae Variant Classification Sherloc (09022015). Collection method: clinical testing. Allele origin: germline.

NM_004656.4(BAP1):c.581-5A>G

Gene: BAP1 (BRCA1 associated deubiquitinase 1; minus strand). Cytogenetic location: 3p21.1.
Variant type: single nucleotide variant.
Coding change: c.581-5A>G on transcript NM_004656.4 (MANE Select); 5 bases into the intron before coding-DNA position 581, A replaced by G.
Molecular consequence: intron variant.
Genome position (GRCh38, 1-based): chr3:52,406,912, T>C on the plus strand (A>G on the coding strand, the complement: BAP1 is on the minus strand). VCF-style: chr3-52406912-T-C. GRCh37 (hg19) VCF-style: chr3-52440928-T-C.
Other names: c.581-5A>G (NM_004656.2).
Identifiers: ClinVar variation 2091992 (VCV002091992.5), dbSNP rs1705180420, ClinGen allele CA1364842592.